The following is an entry in ClinVar:

NM_000440.3(PDE6A):c.783A>T (p.Lys261Asn)

Gene: PDE6A (phosphodiesterase 6A; minus strand). Cytogenetic location: 5q32.
Variant type: single nucleotide variant.
Coding change: c.783A>T on transcript NM_000440.3 (MANE Select); coding-DNA position 783, A replaced by T.
Protein change: p.Lys261Asn; replaces lysine 261 with asparagine.
Molecular consequence: missense variant.
Genome position (GRCh38, 1-based): chr5:149,931,103, T>A on the plus strand (A>T on the coding strand, the complement: PDE6A is on the minus strand). VCF-style: chr5-149931103-T-A. GRCh37 (hg19) VCF-style: chr5-149310666-T-A.
Other names: c.540A>T, p.Lys180Asn (NM_001410788.1); short protein forms K180N, K261N.
Identifiers: ClinVar variation 1970105 (VCV001970105.6), dbSNP rs2480676231, ClinGen allele CA361696534.

ClinVar aggregate classification (germline): Uncertain significance. Review status: criteria provided, multiple submitters, no conflicts (2 of 4 stars). 2 submissions from 2 submitters: Uncertain significance (2). Last evaluated 2024-10-04.

Submissions (2):

Blueprint Genetics
Classification: Uncertain significance. Last evaluated: 2024-10-04. Review status: criteria provided, single submitter. Criteria: ACMG Guidelines, 2015. Collection method: clinical testing. Allele origin: germline.

Labcorp Genetics (formerly Invitae), Labcorp
Classification: Uncertain significance. Last evaluated: 2022-04-07. Review status: criteria provided, single submitter. Criteria: Invitae Variant Classification Sherloc (09022015). Collection method: clinical testing. Allele origin: germline.
Comment: This sequence change replaces lysine, which is basic and polar, with asparagine, which is neutral and polar, at codon 261 of the PDE6A protein (p.Lys261Asn). This variant is not present in population databases (gnomAD no frequency). This variant has not been reported in the literature in individuals affected with PDE6A-related conditions. Algorithms developed to predict the effect of missense changes on protein structure and function (SIFT, PolyPhen-2, Align-GVGD) all suggest that this variant is likely to be disruptive. In summary, the available evidence is currently insufficient to determine the role of this variant in disease. Therefore, it has been classified as a Variant of Uncertain Significance.